The following is an entry in ClinVar:

ClinVar aggregate classification (germline): Uncertain significance (1 of 4 stars; one submission).

Conditions:
Cowden syndrome 6 (CWS6). Identifiers: Orphanet 201, MedGen C3554519, MONDO:0014048, OMIM 615109.

Submission:

Labcorp Genetics (formerly Invitae), Labcorp
Classification: Uncertain significance for Cowden syndrome 6. Last evaluated: 2024-01-13. Review status: criteria provided, single submitter. Criteria: Invitae Variant Classification Sherloc (09022015). Collection method: clinical testing. Allele origin: germline.
Comment: This sequence change replaces glutamic acid, which is acidic and polar, with alanine, which is neutral and non-polar, at codon 94 of the AKT1 protein (p.Glu94Ala). This variant is not present in population databases (gnomAD no frequency). This variant has not been reported in the literature in individuals affected with AKT1-related conditions. An algorithm developed to predict the effect of missense changes on protein structure and function (PolyPhen-2) suggests that this variant is likely to be tolerated. In summary, the available evidence is currently insufficient to determine the role of this variant in disease. Therefore, it has been classified as a Variant of Uncertain Significance.

NM_001382430.1(AKT1):c.281A>C (p.Glu94Ala)

Gene: AKT1 (AKT serine/threonine kinase 1; minus strand). Cytogenetic location: 14q32.33.
Variant type: single nucleotide variant.
Coding change: c.281A>C on transcript NM_001382430.1 (MANE Select); coding-DNA position 281, A replaced by C.
Protein change: p.Glu94Ala; replaces glutamic acid 94 with alanine.
Molecular consequence: missense variant.
Genome position (GRCh38, 1-based): chr14:104,776,665, T>G on the plus strand (A>C on the coding strand, the complement: AKT1 is on the minus strand). VCF-style: chr14-104776665-T-G. GRCh37 (hg19) VCF-style: chr14-105243002-T-G.
Other names: c.281A>C, p.Glu94Ala (NM_001014431.2, NM_001014432.2, NM_001382431.1 and 3 more transcripts); short protein forms E94A.
Identifiers: ClinVar variation 2709219 (VCV002709219.3), dbSNP rs2140929527, ClinGen allele CA391220617.